The following is an entry in ClinVar:

NM_000426.4(LAMA2):c.*118T>C

Gene: LAMA2 (laminin subunit alpha 2; plus strand). Cytogenetic location: 6q22.33.
Variant type: single nucleotide variant.
Coding change: c.*118T>C on transcript NM_000426.4 (MANE Select); 118 bases downstream of the stop codon, T replaced by C.
Molecular consequence: 3 prime UTR variant.
Genome position (GRCh38, 1-based): chr6:129,516,465, T>C. VCF-style: chr6-129516465-T-C. GRCh37 (hg19) VCF-style: chr6-129837610-T-C.
Other names: c.*118T>C (NM_001079823.2).
Identifiers: ClinVar variation 355311 (VCV000355311.6), dbSNP rs1049476, ClinGen allele CA10622913.

ClinVar aggregate classification (germline): Benign. Review status: criteria provided, multiple submitters, no conflicts (2 of 4 stars). 2 submissions from 2 submitters: Benign (2). Last evaluated 2018-06-22.

Conditions:
Congenital muscular dystrophy due to partial LAMA2 deficiency. Identifiers: MedGen C1842898.

Allele frequency attached by ClinVar (database versions not stated): 1000 Genomes Project 0.21246; 1000 Genomes Project 30x 0.21752; gnomAD 0.25167; TOPMed 0.26415.
gnomAD v4.1: 272,187 of 1,040,414 alleles (26%); highest among the groups gnomAD compares: Middle Eastern, 30%; 38,499 homozygotes.

Submissions (2):

GeneDx
Classification: Benign. Last evaluated: 2018-06-22. Review status: criteria provided, single submitter. Criteria: GeneDx Variant Classification Process June 2021. Collection method: clinical testing. Allele origin: germline. Affected: yes.

Illumina Laboratory Services, Illumina
Classification: Benign for Congenital muscular dystrophy due to partial LAMA2 deficiency. Last evaluated: 2018-01-13. Review status: criteria provided, single submitter. Criteria: ICSL Variant Classification Criteria 13 December 2019. Collection method: clinical testing. Allele origin: germline.
Comment: This variant was observed in the ICSL laboratory as part of a predisposition screen in an ostensibly healthy population. It had not been previously curated by ICSL or reported in the Human Gene Mutation Database (HGMD: prior to June 1st, 2018), and was therefore a candidate for classification through an automated scoring system. Utilizing variant allele frequency, disease prevalence and penetrance estimates, and inheritance mode, an automated score was calculated to assess if this variant is too frequent to cause the disease. Based on the score and internal cut-off values, a variant classified as benign is not then subjected to further curation. The score for this variant resulted in a classification of benign for this disease.